The following is an entry in ClinVar:

NM_001329943.3(KIAA0586):c.3144G>A (p.Pro1048=)

Gene: KIAA0586 (KIAA0586; plus strand). Cytogenetic location: 14q23.1.
Variant type: single nucleotide variant.
Coding change: c.3144G>A on transcript NM_001329943.3 (MANE Select); coding-DNA position 3144, G replaced by A.
Protein change: p.Pro1048=; no amino-acid change (proline 1048 retained).
Molecular consequence: synonymous variant.
Genome position (GRCh38, 1-based): chr14:58,482,712, G>A. VCF-style: chr14-58482712-G-A. GRCh37 (hg19) VCF-style: chr14-58949430-G-A.
Other names: c.3303G>A, p.Pro1101= (NM_001244189.2); c.3099G>A, p.Pro1033= (NM_001244190.2); c.2889G>A, p.Pro963= (NM_001244191.2, NM_001329945.2, NM_001364700.1 and 1 more transcripts); c.3012G>A, p.Pro1004= (NM_001244192.2); c.2724G>A, p.Pro908= (NM_001244193.2); c.3144G>A, p.Pro1048= (NM_001329944.2, NM_001329946.2, NM_001329947.2); c.2916G>A, p.Pro972= (NM_014749.5).
Identifiers: ClinVar variation 217667 (VCV000217667.14), dbSNP rs540255320, ClinGen allele CA210305.
Genomic context (GRCh38, chr14:58,482,712, plus strand): 5'-GCAAGGTCCTGTTGCTACAGGTGTTTCTGGGGATGCTTCAACAAATGAAACATATTTGCC[G>A]GTATGGGGAATTTTTGAGACATTTATTGAAGAATAGTAAAATAGATGAATTTTAAGCTGC-3'
Protein context (NP_001316872.1, residues 1038-1058): GDASTNETYL[Pro1048=]ARVCTPLPTP

ClinVar aggregate classification (germline): Pathogenic/Likely pathogenic. Review status: criteria provided, multiple submitters, no conflicts (2 of 4 stars). 5 submissions from 5 submitters: Pathogenic (3); Likely pathogenic (2). Last evaluated 2026-08-21.

Conditions:
KIAA0586-related disorder. Also called: KIAA0586- Related disorders; KIAA0586-related condition.
Joubert syndrome 23 (JBTS23). Identifiers: Orphanet 475, MedGen C4084822, MONDO:0014664, OMIM 616490.
Short-rib thoracic dysplasia 14 with polydactyly (SRTD14). Identifiers: Orphanet 397715, MedGen C4225286, MONDO:0014688, OMIM 616546.

Allele frequency attached by ClinVar (database versions not stated): gnomAD exomes 0.00002; ExAC 0.00003; TOPMed below 0.00001.
gnomAD v4.1: 12 of 1,543,112 alleles (0.00078%); highest among the groups gnomAD compares: Middle Eastern, 0.017%; no homozygotes.

Submissions (5):

MVZ Martinsried, Medicover Genetics
Classification: Pathogenic for Joubert syndrome 23. Last evaluated: 2026-08-21. Review status: criteria provided, single submitter. Criteria: ClinGen Variant Curation SOP V3.2 + Classification Guidance July2025. Collection method: clinical testing. Allele origin: inherited. Affected: yes. Observed: 1 heterozygote.

Labcorp Genetics (formerly Invitae), Labcorp
Classification: Pathogenic for Joubert syndrome 23; Short-rib thoracic dysplasia 14 with polydactyly. Last evaluated: 2024-09-16. Review status: criteria provided, single submitter. Criteria: Invitae Variant Classification Sherloc (09022015). Collection method: clinical testing. Allele origin: germline.
Comment: This sequence change affects codon 1101 of the KIAA0586 mRNA. It is a 'silent' change, meaning that it does not change the encoded amino acid sequence of the KIAA0586 protein. This variant also falls at the last nucleotide of exon 23, which is part of the consensus splice site for this exon. This variant is present in population databases (rs540255320, gnomAD 0.02%). This variant has been observed in individual(s) with Joubert syndrome (PMID: 26096313; internal data). In at least one individual the data is consistent with being in trans (on the opposite chromosome) from a pathogenic variant. ClinVar contains an entry for this variant (Variation ID: 217667). Algorithms developed to predict the effect of variants on gene product structure and function are not available or were not evaluated for this variant. Experimental studies have shown that this variant affects KIAA0586 function (PMID: 2609613). Variants that disrupt the consensus splice site are a relatively common cause of aberrant splicing (PMID: 17576681, 9536098). Algorithms developed to predict the effect of sequence changes on RNA splicing suggest that this variant may disrupt the consensus splice site. For these reasons, this variant has been classified as Pathogenic.

Blueprint Genetics
Classification: Likely pathogenic for KIAA0586-related disorders. Last evaluated: 2021-11-02. Review status: criteria provided, single submitter. Criteria: ACMG Guidelines, 2015. Collection method: clinical testing. Allele origin: germline. Affected: yes. Observed: 2 variant alleles.

UW Hindbrain Malformation Research Program, University of Washington
Classification: Pathogenic for Joubert syndrome 23. Last evaluated: 2015-09-01. Review status: criteria provided, single submitter. Criteria: Submitter's publication. Collection method: research. Allele origin: unknown. Affected: yes.

Juno Genomics, Hangzhou Juno Genomics, Inc
Classification: Likely pathogenic for Joubert syndrome 23; Short-rib thoracic dysplasia 14 with polydactyly. Review status: criteria provided, single submitter. Criteria: ACMG Guidelines, 2015. Collection method: clinical testing. Allele origin: germline.
Comment: Absent from controls (or at extremely low frequency if recessive) in Genome Aggregation Database.;Multiple lines of computational evidence support a deleterious effect on the gene or gene product.;For recessive disorders, detected in trans with a pathogenic variant.;Well-established in vitro or in vivo functional studies supportive of a damaging effect on the gene or gene product.

Literature cited by the submitters: PubMed 26096313 (cited by Labcorp Genetics (formerly Invitae), Labcorp); PubMed 2609613 (cited by Labcorp Genetics (formerly Invitae), Labcorp); PubMed 17576681 (cited by Labcorp Genetics (formerly Invitae), Labcorp); PubMed 9536098 (cited by Labcorp Genetics (formerly Invitae), Labcorp).